The following is an entry in ClinVar:

NM_020831.6(MRTFA):c.2927T>C (p.Met976Thr)

Gene: MRTFA (myocardin related transcription factor A; minus strand). Cytogenetic location: 22q13.1.
Variant type: single nucleotide variant.
Coding change: c.2927T>C on transcript NM_020831.6 (MANE Select); coding-DNA position 2927, T replaced by C.
Protein change: p.Met976Thr; replaces methionine 976 with threonine.
Molecular consequence: missense variant. On other transcripts: 3 prime UTR variant (1).
Genome position (GRCh38, 1-based): chr22:40,411,559, A>G on the plus strand (T>C on the coding strand, the complement: MRTFA is on the minus strand). VCF-style: chr22-40411559-A-G. GRCh37 (hg19) VCF-style: chr22-40807563-A-G.
Other names: c.2627T>C, p.Met876Thr (NM_001282660.2); c.2777T>C, p.Met926Thr (NM_001282661.3); c.*240T>C (NM_001282662.3); c.2732T>C, p.Met911Thr (NM_001318139.2); short protein forms M876T, M911T, M926T, M976T.
Identifiers: ClinVar variation 1682918 (VCV001682918.9), dbSNP rs1326313560, ClinGen allele CA411651711.

ClinVar aggregate classification (germline): Uncertain significance. Review status: criteria provided, multiple submitters, no conflicts (2 of 4 stars). 2 submissions from 2 submitters: Uncertain significance (2). Last evaluated 2024-03-18.

Allele frequency attached by ClinVar (database versions not stated): TOPMed below 0.00001; gnomAD 0.00001.
gnomAD v4.1: 2 of 1,613,708 alleles (0.00012%); highest among the groups gnomAD compares: Non-Finnish European, 0.00017%; no homozygotes.

Submissions (2):

Blueprint Genetics
Classification: Uncertain significance. Last evaluated: 2024-03-18. Review status: criteria provided, single submitter. Criteria: ACMG Guidelines, 2015. Collection method: clinical testing. Allele origin: germline.

Labcorp Genetics (formerly Invitae), Labcorp
Classification: Uncertain significance. Last evaluated: 2021-03-27. Review status: criteria provided, single submitter. Criteria: Invitae Variant Classification Sherloc (09022015). Collection method: clinical testing. Allele origin: germline.
Comment: In summary, the available evidence is currently insufficient to determine the role of this variant in disease. Therefore, it has been classified as a Variant of Uncertain Significance. Algorithms developed to predict the effect of missense changes on protein structure and function (SIFT, PolyPhen-2, Align-GVGD) all suggest that this variant is likely to be tolerated, but these predictions have not been confirmed by published functional studies and their clinical significance is uncertain. This variant has not been reported in the literature in individuals with MKL1-related conditions. This variant is not present in population databases (ExAC no frequency). This sequence change replaces methionine with threonine at codon 876 of the MKL1 protein (p.Met876Thr). The methionine residue is moderately conserved and there is a moderate physicochemical difference between methionine and threonine.